The following is an entry in ClinVar:

ClinVar aggregate classification (germline): Uncertain significance (1 of 4 stars; one submission).

Conditions:
Progressive familial heart block type IB (PFHB1B). Identifiers: Orphanet 871, MedGen C1970298, MONDO:0011474, OMIM 604559.

Allele frequency attached by ClinVar (database versions not stated): gnomAD exomes below 0.00001.
gnomAD v4.1: 1 of 1,613,972 alleles (0.000062%); highest among the groups gnomAD compares: Non-Finnish European, 0.000085%; no homozygotes.

Submission:

Labcorp Genetics (formerly Invitae), Labcorp
Classification: Uncertain significance for Progressive familial heart block type IB. Last evaluated: 2022-07-20. Review status: criteria provided, single submitter. Criteria: Invitae Variant Classification Sherloc (09022015). Collection method: clinical testing. Allele origin: germline.
Comment: This variant disrupts the p.Ile376 amino acid residue in TRPM4. Other variant(s) that disrupt this residue have been determined to be pathogenic (PMID: 26820365). This suggests that this residue is clinically significant, and that variants that disrupt this residue are likely to be disease-causing. In summary, the available evidence is currently insufficient to determine the role of this variant in disease. Therefore, it has been classified as a Variant of Uncertain Significance. Algorithms developed to predict the effect of missense changes on protein structure and function output the following: SIFT: "Tolerated"; PolyPhen-2: "Benign"; Align-GVGD: "Class C0". The valine amino acid residue is found in multiple mammalian species, which suggests that this missense change does not adversely affect protein function. ClinVar contains an entry for this variant (Variation ID: 1499580). This variant has not been reported in the literature in individuals affected with TRPM4-related conditions. This variant is not present in population databases (gnomAD no frequency). This sequence change replaces isoleucine, which is neutral and non-polar, with valine, which is neutral and non-polar, at codon 376 of the TRPM4 protein (p.Ile376Val).

Literature cited by the submitters: PubMed 26820365.

NM_017636.4(TRPM4):c.1126A>G (p.Ile376Val)

Gene: TRPM4 (transient receptor potential cation channel subfamily M member 4; plus strand). Cytogenetic location: 19q13.33.
Variant type: single nucleotide variant.
Coding change: c.1126A>G on transcript NM_017636.4 (MANE Select); coding-DNA position 1126, A replaced by G.
Protein change: p.Ile376Val; replaces isoleucine 376 with valine.
Molecular consequence: missense variant. On other transcripts: 5 prime UTR variant (1), intron variant (1).
Genome position (GRCh38, 1-based): chr19:49,172,084, A>G. VCF-style: chr19-49172084-A-G. GRCh37 (hg19) VCF-style: chr19-49675341-A-G.
Other names: c.1126A>G, p.Ile376Val (NM_001195227.2); c.781A>G, p.Ile261Val (NM_001321281.2); c.-428A>G (NM_001321282.2); c.604A>G, p.Ile202Val (NM_001321283.2); c.201+315A>G (NM_001321285.2); short protein forms I202V, I261V, I376V.
Identifiers: ClinVar variation 1499580 (VCV001499580.8), dbSNP rs2122839436, ClinGen allele CA406795588.
Genomic context (GRCh38, chr19:49,172,084, plus strand): 5'-ACCCGGAAGGAGCTCCTGACAGTCTATTCTTCTGAGGATGGGTCTGAGGAATTCGAGACC[A>G]TAGTTTTGAAGGCCCTTGTGAAGGGTAAAAGTTGTACCCTCCAGTCTTCCCCCTCTCTCA-3'
Protein context (NP_060106.2, residues 366-386): SEDGSEEFET[Ile376Val]VLKALVKACG